The following is an entry in ClinVar:

ClinVar aggregate classification (germline): Benign/Likely benign. Review status: criteria provided, multiple submitters, no conflicts (2 of 4 stars). 3 submissions from 3 submitters: Benign (2); Likely benign (1). Last evaluated 2021-08-09.

Conditions:
Osteogenesis imperfecta (OI). Identifiers: Orphanet 666, MedGen C0029434, MeSH D010013, MONDO:0019019.

Allele frequency attached by ClinVar (database versions not stated): gnomAD 0.06510 and 0.06657; 1000 Genomes Project 0.08566; 1000 Genomes Project 30x 0.08776; gnomAD exomes 0.03947; TOPMed 0.07493.

Submissions (3):

Genome Diagnostics Laboratory, The Hospital for Sick Children
Classification: Benign for Osteogenesis imperfecta. Last evaluated: 2021-08-09. Review status: criteria provided, single submitter. Criteria: ACMG Guidelines, 2015. Collection method: clinical testing. Allele origin: germline.

GeneDx
Classification: Benign. Last evaluated: 2021-05-16. Review status: criteria provided, single submitter. Criteria: GeneDx Variant Classification Process June 2021. Collection method: clinical testing. Allele origin: germline. Affected: yes.
Comment: This variant is associated with the following publications: (PMID: 16086313)

Breakthrough Genomics
Classification: Likely benign. Review status: criteria provided, single submitter. Criteria: ACMG Guidelines, 2015. Collection method: not provided. Allele origin: germline. Inheritance: Autosomal recessive inheritance. Affected: yes.

NM_002615.6(SERPINF1):c.-86C>A

Gene: SERPINF1 (serpin family F member 1; plus strand). Cytogenetic location: 17p13.3.
Variant type: single nucleotide variant.
Coding change: c.-86C>A on transcript NM_002615.6; 86 bases upstream of the start codon, C replaced by A.
Genome position (GRCh38, 1-based): chr17:1,762,036, C>A. VCF-style: chr17-1762036-C-A. GRCh37 (hg19) VCF-style: chr17-1665330-C-A.
Other names: c.-555C>A (NM_001329904.1).
Identifiers: ClinVar variation 321997 (VCV000321997.12), dbSNP rs9913583, ClinGen allele CA10639040.